The following is an entry in ClinVar:

ClinVar aggregate classification (germline): Uncertain significance (1 of 4 stars; one submission).

Conditions:
KCNQ2-Related Disorders. Also called: KCNQ2-related disorder; KCNQ2-related condition. Identifiers: MedGen CN169299.

Submission:

PreventionGenetics, part of Exact Sciences
Classification: Uncertain significance for KCNQ2-related condition. Last evaluated: 2023-08-22. Review status: criteria provided, single submitter. Criteria: ACMG Guidelines, 2015. Collection method: clinical testing. Allele origin: germline.
Comment: The KCNQ2 c.1543G>C variant is predicted to result in the amino acid substitution p.Glu515Gln. To our knowledge, this variant has not been reported in the literature or in a large population database, indicating this variant is rare. At this time, the clinical significance of this variant is uncertain due to the absence of conclusive functional and genetic evidence.

NM_172107.4(KCNQ2):c.1543G>C (p.Glu515Gln)

Gene: KCNQ2 (potassium voltage-gated channel subfamily Q member 2; minus strand). Cytogenetic location: 20q13.33.
Variant type: single nucleotide variant.
Coding change: c.1543G>C on transcript NM_172107.4 (MANE Select); coding-DNA position 1543, G replaced by C.
Protein change: p.Glu515Gln; replaces glutamic acid 515 with glutamine.
Molecular consequence: missense variant.
Genome position (GRCh38, 1-based): chr20:63,414,176, C>G on the plus strand (G>C on the coding strand, the complement: KCNQ2 is on the minus strand). VCF-style: chr20-63414176-C-G. GRCh37 (hg19) VCF-style: chr20-62045529-C-G.
Other names: c.1489G>C, p.Glu497Gln (NM_001382235.1, NM_172106.3); c.1459G>C, p.Glu487Gln (NM_004518.6); c.1450G>C, p.Glu484Gln (NM_172108.5); short protein forms E484Q, E487Q, E497Q, E515Q.
Identifiers: ClinVar variation 2631142 (VCV002631142.1), dbSNP rs2516177174, ClinGen allele CA409645728.
Genomic context (GRCh38, chr20:63,414,176, plus strand): 5'-CCGGGGTCAGGTCCTCGGTCACAAACTCGCAGGGGCAGCTCTTGTCATCCACAATGTCCT[C>G]TCCGGGGAGGCTTGCTTCTGGGGGGAAGGAGACAGGCCGTGAGGGGCCGAGGGGGCCGGG-3'
Protein context (NP_742105.1, residues 505-525): QNSEEASLPG[Glu515Gln]DIVDDKSCPC